The following is an entry in ClinVar:

NM_001127453.2(GSDME):c.203C>T (p.Pro68Leu)

Gene: GSDME (gasdermin E; minus strand). Cytogenetic location: 7p15.3.
Variant type: single nucleotide variant.
Coding change: c.203C>T on transcript NM_001127453.2 (MANE Select); coding-DNA position 203, C replaced by T.
Protein change: p.Pro68Leu; replaces proline 68 with leucine.
Molecular consequence: missense variant. On other transcripts: intron variant (1).
Genome position (GRCh38, 1-based): chr7:24,749,572, G>A on the plus strand (C>T on the coding strand, the complement: GSDME is on the minus strand). VCF-style: chr7-24749572-G-A. GRCh37 (hg19) VCF-style: chr7-24789191-G-A.
Other names: c.203C>T, p.Pro68Leu (NM_004403.3); c.-281-4818C>T (NM_001127454.2); short protein forms P68L.
Identifiers: ClinVar variation 1319107 (VCV001319107.7), dbSNP rs369689648, ClinGen allele CA4191825.

ClinVar aggregate classification (germline): Conflicting classifications of pathogenicity. Review status: criteria provided, conflicting classifications (1 of 4 stars). 4 submissions from 4 submitters: Uncertain significance (2); Likely benign (2). Last evaluated 2025-05-03.

Conditions:
Inborn genetic diseases. Identifiers: MedGen C0950123, MeSH D030342.
GSDME-related disorder. Also called: GSDME-related condition.

Allele frequency attached by ClinVar (database versions not stated): ExAC 0.00002; gnomAD exomes 0.00002 and 0.00005; gnomAD 0.00003 and 0.00004; TOPMed 0.00003; ESP Exome Variant Server 0.00008.

Submissions (4):

PreventionGenetics, part of Exact Sciences
Classification: Uncertain significance for GSDME-related condition. Last evaluated: 2025-05-03. Review status: criteria provided, single submitter. Criteria: ACMG Guidelines, 2015. Collection method: clinical testing. Allele origin: germline.
Comment: The GSDME c.203C>T variant is predicted to result in the amino acid substitution p.Pro68Leu. To our knowledge, this variant has not been reported in the literature. This variant is reported in 0.0058% of alleles in individuals of Latino descent in gnomAD. At this time, the clinical significance of this variant is uncertain due to the absence of conclusive functional and genetic evidence.

Blueprint Genetics
Classification: Likely benign. Last evaluated: 2024-08-30. Review status: criteria provided, single submitter. Criteria: ACMG Guidelines, 2015. Collection method: clinical testing. Allele origin: germline.

Ambry Genetics
Classification: Likely benign for Inborn genetic diseases. Last evaluated: 2023-03-06. Review status: criteria provided, single submitter. Criteria: Ambry Variant Classification Scheme 2023. Collection method: clinical testing. Allele origin: germline.

Institute for Clinical Genetics, University Hospital TU Dresden, University Hospital TU Dresden
Classification: Uncertain significance. Last evaluated: 2021-11-03. Review status: criteria provided, single submitter. Criteria: ACMG Guidelines, 2015. Collection method: clinical testing. Allele origin: germline.